The following is an entry in ClinVar:

ClinVar aggregate classification (germline): Uncertain significance (1 of 4 stars; one submission).

Conditions:
Combined immunodeficiency due to LRBA deficiency. Also called: Common variable immunodeficiency 8, with autoimmunity. Identifiers: Orphanet 445018, MedGen C3553512, MONDO:0013863, OMIM 614700.

Allele frequency attached by ClinVar (database versions not stated): ExAC 0.00002; ESP Exome Variant Server 0.00008.
gnomAD v4.1: 18 of 1,613,132 alleles (0.0011%); highest among the groups gnomAD compares: African/African-American, 0.0027%; no homozygotes.

Submission:

Labcorp Genetics (formerly Invitae), Labcorp
Classification: Uncertain significance for Combined immunodeficiency due to LRBA deficiency. Last evaluated: 2023-10-13. Review status: criteria provided, single submitter. Criteria: Invitae Variant Classification Sherloc (09022015). Collection method: clinical testing. Allele origin: germline.
Comment: This sequence change replaces arginine, which is basic and polar, with cysteine, which is neutral and slightly polar, at codon 910 of the LRBA protein (p.Arg910Cys). This variant is present in population databases (rs143665533, gnomAD 0.008%). This variant has not been reported in the literature in individuals affected with LRBA-related conditions. ClinVar contains an entry for this variant (Variation ID: 1373423). Advanced modeling of protein sequence and biophysical properties (such as structural, functional, and spatial information, amino acid conservation, physicochemical variation, residue mobility, and thermodynamic stability) performed at Invitae indicates that this missense variant is expected to disrupt LRBA protein function. In summary, the available evidence is currently insufficient to determine the role of this variant in disease. Therefore, it has been classified as a Variant of Uncertain Significance.

NM_001364905.1(LRBA):c.2728C>T (p.Arg910Cys)

Gene: LRBA (LPS responsive beige-like anchor protein; minus strand). Cytogenetic location: 4q31.3.
Variant type: single nucleotide variant.
Coding change: c.2728C>T on transcript NM_001364905.1 (MANE Select); coding-DNA position 2728, C replaced by T.
Protein change: p.Arg910Cys; replaces arginine 910 with cysteine.
Molecular consequence: missense variant.
Genome position (GRCh38, 1-based): chr4:150,867,709, G>A on the plus strand (C>T on the coding strand, the complement: LRBA is on the minus strand). VCF-style: chr4-150867709-G-A. GRCh37 (hg19) VCF-style: chr4-151788861-G-A.
Other names: c.2728C>T, p.Arg910Cys (NM_001199282.3, NM_001367550.1, NM_006726.5); short protein forms R910C.
Identifiers: ClinVar variation 1373423 (VCV001373423.6), dbSNP rs143665533, ClinGen allele CA3103164.